The following is an entry in ClinVar:

NM_170662.5(CBLB):c.1272C>T (p.Asp424=)

Genes: CBLB (Cbl proto-oncogene B; minus strand), LOC126806757 (P300/CBP strongly-dependent group 1 enhancer GRCh37_chr3:105438452-105439651; plus strand). Cytogenetic location: 3q13.11.
Variant type: single nucleotide variant.
Coding change: c.1272C>T on transcript NM_170662.5 (MANE Select); coding-DNA position 1272, C replaced by T.
Protein change: p.Asp424=; no amino-acid change (aspartic acid 424 retained).
Molecular consequence: synonymous variant. On other transcripts: 5 prime UTR variant (1), non-coding transcript variant (7).
Genome position (GRCh38, 1-based): chr3:105,720,182, G>A on the plus strand (C>T on the coding strand, the complement: CBLB is on the minus strand). VCF-style: chr3-105720182-G-A. GRCh37 (hg19) VCF-style: chr3-105439026-G-A.
Other names: c.1356C>T, p.Asp452= (NM_001321786.1, NM_001321789.1); c.1272C>T, p.Asp424= (NM_001321788.2, NM_001321791.2, NM_001321793.2 and 4 more transcripts); c.1338C>T, p.Asp446= (NM_001321790.2); c.1125C>T, p.Asp375= (NM_001321796.2, NM_001321799.2); c.492C>T, p.Asp164= (NM_001321806.2, NM_001321807.2, NM_001321808.2 and 3 more transcripts); c.84C>T, p.Asp28= (NM_001321820.2); c.-58C>T (NM_001321822.2).
Identifiers: ClinVar variation 3055764 (VCV003055764.2), dbSNP rs2305035, ClinGen allele CA2524814.
Genomic context (GRCh38, chr3:105,720,182, plus strand): 5'-CATGCCAAAGGGGTCAATGATGCTGCAACACCTGGAGCCTTCATCTCTTGGATCAAAGGG[G>A]TCCACGATTATGGGCTCAGTTCCTTTTATTTCACAACGACAGAAAGGGCAGCCCTGACCA-3'
Protein context (NP_733762.2, residues 414-434): EIKGTEPIIV[Asp424=]PFDPRDEGSR

ClinVar aggregate classification (germline): Benign (0 of 4 stars; one submission).

Conditions:
CBLB-related disorder. Also called: CBLB-related condition.

Allele frequency attached by ClinVar (database versions not stated): ESP Exome Variant Server 0.20429; 1000 Genomes Project 30x 0.20878; 1000 Genomes Project 0.21006; TOPMed 0.21475; gnomAD 0.21492; ExAC 0.22035.
gnomAD v4.1: 352,811 of 1,612,752 alleles (22%); highest among the groups gnomAD compares: Admixed American, 30%; 39,798 homozygotes.

Submission:

PreventionGenetics, part of Exact Sciences
Classification: Benign for CBLB-related condition. Last evaluated: 2019-11-06. Review status: no assertion criteria provided. Collection method: clinical testing. Allele origin: germline.
Comment: This variant is classified as benign based on ACMG/AMP sequence variant interpretation guidelines (Richards et al. 2015 PMID: 25741868, with internal and published modifications).